The following is an entry in ClinVar:

NM_133459.4(CCBE1):c.472C>T (p.Arg158Cys)

Gene: CCBE1 (collagen and calcium binding EGF domains 1; minus strand). Cytogenetic location: 18q21.32.
Variant type: single nucleotide variant.
Coding change: c.472C>T on transcript NM_133459.4 (MANE Select); coding-DNA position 472, C replaced by T.
Protein change: p.Arg158Cys; replaces arginine 158 with cysteine.
Molecular consequence: missense variant.
Genome position (GRCh38, 1-based): chr18:59,466,820, G>A on the plus strand (C>T on the coding strand, the complement: CCBE1 is on the minus strand). VCF-style: chr18-59466820-G-A. GRCh37 (hg19) VCF-style: chr18-57134052-G-A.
Other names: c.472C>T, p.Arg158Cys (LRG_1209t1); short protein forms R158C.
Identifiers: ClinVar variation 449 (VCV000000449.28), dbSNP rs121908253, ClinGen allele CA278007.

ClinVar aggregate classification (germline): Conflicting classifications of pathogenicity. Review status: criteria provided, conflicting classifications (1 of 4 stars). 16 submissions from 16 submitters: Pathogenic (1); Likely pathogenic (7); Uncertain significance (3). 5 of the submissions do not count toward it. Last evaluated 2026-09-10.

Conditions:
CCBE1-related disorder. Also called: CCBE1-related condition.
Hennekam lymphangiectasia-lymphedema syndrome 1 (HKLLS1). Also called: LYMPHATIC DYSPLASIA, GENERALIZED. Identifiers: Orphanet 2136, MedGen C4012050, MONDO:0009337, OMIM 235510.

Allele frequency attached by ClinVar (database versions not stated): TOPMed 0.00018; gnomAD 0.00021 and 0.00019; 1000 Genomes Project 0.00020; 1000 Genomes Project 30x 0.00031.
gnomAD v4.1: 344 of 1,613,426 alleles (0.021%); highest among the groups gnomAD compares: South Asian, 0.031%; no homozygotes.

Submissions (16):

GeneDx
Classification: Likely pathogenic. Last evaluated: 2026-09-10. Review status: criteria provided, single submitter. Criteria: GeneDx Variant Classification Process June 2021. Collection method: clinical testing. Allele origin: germline.
Comment: Published functional studies demonstrate activity comparable to wildtype and that the variant does not affect the ability of the protein to activate VEGFC processing (PMID: 19935664, 25814692); In silico analysis supports that this missense variant has a deleterious effect on protein structure/function; This variant is associated with the following publications: (PMID: 26686525, 25925991, 33507128, 32472549, 19935664, 34426522, 32629717, 25814692, 40394495, 39052144, 40865752)

Dasa
Classification: Likely pathogenic. Last evaluated: 2026-02-26. Review status: criteria provided, single submitter. Criteria: DASA Assertion Criteria. Collection method: clinical testing. Allele origin: germline.
Comment: NM_133459.4(CCBE1):c.472C>T (p.Arg158Cys) is a missense variant that results in the substitution of arginine with cysteine. This variant has been recurrently observed in individuals with CCBE1-related disorders (PMID: 19935664; PMID: 32472549; PMID: 32629717). Also, this variant is rare in population databases. Computational evidence supports a deleterious effect. Based on the currently available evidence, this variant is classified as likely pathogenic.

Labcorp Genetics (formerly Invitae), Labcorp
Classification: Likely pathogenic. Last evaluated: 2025-12-28. Review status: criteria provided, single submitter. Criteria: Invitae Variant Classification Sherloc (09022015). Collection method: clinical testing. Allele origin: germline.
Comment: This sequence change replaces arginine, which is basic and polar, with cysteine, which is neutral and slightly polar, at codon 158 of the CCBE1 protein (p.Arg158Cys). This variant is present in population databases (rs121908253, gnomAD 0.04%). This missense change has been observed in individual(s) with clinical features of Hennekam lymphangiectasia-lymphedema syndrome (PMID: 19935664, 32472549, 32629717, 39052144). In at least one individual the data is consistent with being in trans (on the opposite chromosome) from a pathogenic variant. ClinVar contains an entry for this variant (Variation ID: 449). Invitae Evidence Modeling of protein sequence and biophysical properties (such as structural, functional, and spatial information, amino acid conservation, physicochemical variation, residue mobility, and thermodynamic stability) indicates that this missense variant is not expected to disrupt CCBE1 protein function with a negative predictive value of 80%. Experimental studies have shown that this missense change does not substantially affect CCBE1 function (PMID: 25814692). In summary, the currently available evidence indicates that the variant is pathogenic, but additional data are needed to prove that conclusively. Therefore, this variant has been classified as Likely Pathogenic.

First Genomix Gene Laboratory, Genetic Diagnostics Department
Classification: Likely pathogenic for Hennekam lymphangiectasia-lymphedema syndrome 1. Last evaluated: 2025-04-30. Review status: criteria provided, single submitter. Criteria: ACMG Guidelines, 2015. Collection method: clinical testing. Allele origin: germline. Inheritance: Autosomal recessive inheritance. Affected: no. Observed: 1 variant allele.

Blueprint Genetics
Classification: Pathogenic for CCBE1-related disorders. Last evaluated: 2024-11-15. Review status: criteria provided, single submitter. Criteria: ACMG Guidelines, 2015. Collection method: clinical testing. Allele origin: germline. Affected: yes. Observed: 5 variant alleles.

3billion
Classification: Uncertain significance for Hennekam lymphangiectasia-lymphedema syndrome 1. Last evaluated: 2024-09-20. Review status: criteria provided, single submitter. Criteria: ACMG Guidelines, 2015. Collection method: clinical testing. Allele origin: germline. Inheritance: Autosomal recessive inheritance. Affected: no.
Comment: The variant is observed at an extremely low frequency in the gnomAD v4.1.0 dataset (total allele frequency: 0.021%).In silico tool predictions suggest damaging effect of the variant on gene or gene product [REVEL: 0.75 (>=0.6, sensitivity 0.68 and specificity 0.92)].

Victorian Clinical Genetics Services, Murdoch Childrens Research Institute
Classification: Likely pathogenic for Hennekam lymphangiectasia-lymphedema syndrome 1. Last evaluated: 2023-12-21. Review status: criteria provided, single submitter. Criteria: ACMG Guidelines, 2015. Collection method: clinical testing. Allele origin: germline. Inheritance: Autosomal recessive inheritance. Affected: yes.
Comment: Based on the classification scheme VCGS_Germline_v1.3.4, this variant is classified as Likely Pathogenic. Following criteria are met: 0102 - Loss of function is a known mechanism of disease in this gene and is associated with Hennekam lymphangiectasia-lymphedema syndrome 1, (MIM#235510). (I) 0106 - This gene is associated with autosomal recessive disease. (I) 0200 - Variant is predicted to result in a missense amino acid change from arginine to cysteine. (I) 0251 - This variant is heterozygous. (I) 0304 - Variant is present in gnomAD (v2) <0.01 for a recessive condition (58 heterozygotes, 0 homozygotes). (SP) 0309 - Multiple alternative amino acid changes at the same position have been observed in gnomAD (v2) (highest allele count: 24 heterozygotes, 0 homozygotes). (I) 0501 - Missense variant consistently predicted to be damaging by multiple in silico tools or highly conserved with a major amino acid change. (SP) 0600 - Variant is located in the annotated calcium-binding EGF domain (DECIPHER). (I) 0710 - Another missense variant comparable to the one identified in this case has inconclusive previous evidence for pathogenicity. This alternative change, p.(Arg158His), has been reported as a VUS (ClinVar). (I) 0802 - This variant has moderate previous evidence of pathogenicity in unrelated individuals. This variant has been reported as a VUS, likely pathogenic and pathogenic (ClinVar, LOVD). It has also been observed in two compound heterozygous individuals with Hennekam syndrome or lymphangiectasia and lymphoedema, and a homozygous individual with intestinal lymphangiectasia (PMID: 19935664, PMID: 32472549, PMID: 32629717). (SP) 0905 - No published segregation evidence has been identified for this variant. (I) 1010 - Functional evidence for this variant is inconclusive. Rescue attempts of zebrafish knockdown demonstrated partial rescue, and this variant did not affect VEGFC signalling both in vitro and in vivo (PMID: 19935664, PMID: 25814692). (I) 1208 - Inheritance information for this variant is not currently available in this individual. (I) Legend: (SP) - Supporting pathogenic, (I) - Information, (SB) - Supporting benign

Department of Pathology and Laboratory Medicine, Sinai Health System
Classification: Likely pathogenic for Hennekam lymphangiectasia-lymphedema syndrome 1. Last evaluated: 2023-08-21. Review status: criteria provided, single submitter. Criteria: ACMG Guidelines, 2015. Collection method: research. Allele origin: germline.

Women's Health and Genetics/Laboratory Corporation of America, LabCorp
Classification: Uncertain significance. Last evaluated: 2023-04-14. Review status: criteria provided, single submitter. Criteria: LabCorp Variant Classification Summary - May 2015. Collection method: clinical testing. Allele origin: germline.
Comment: Variant summary: CCBE1 c.472C>T (p.Arg158Cys) results in a non-conservative amino acid change located in the EGF-like domain (IPR000742) of the encoded protein sequence. Four of five in-silico tools predict a damaging effect of the variant on protein function. The variant allele was found at a frequency of 0.00021 in 251206 control chromosomes (gnomAD). This frequency is not significantly higher than estimated for a pathogenic variant in CCBE1 causing Hennekam Lymphangiectasia-Lymphedema Syndrome (0.00021 vs 0.00056), allowing no conclusion about variant significance. c.472C>T has been reported in the literature in individuals affected with Hennekam Lymphangiectasia-Lymphedema Syndrome (examples: Alders_2009, Ren_2020 and Fattorusso_2020). These data indicate that the variant may be associated with disease. Multiple publications report experimental evidence evaluating an impact on protein function. These results showed conflcting effects on protein function (example: Alders_2009 and Roukens_2015). Two clinical diagnostic laboratories have submitted clinical-significance assessments for this variant to ClinVar after 2014 and classified the variant as likely pathogenic, and as uncertain significance. Based on the evidence outlined above, the variant was classified as VUS-possibly pathogenic.

PreventionGenetics, part of Exact Sciences
Classification: Uncertain significance for CCBE1-related condition. Last evaluated: 2022-12-01. Review status: criteria provided, single submitter. Criteria: ACMG Guidelines, 2015. Collection method: clinical testing. Allele origin: germline.
Comment: The CCBE1 c.472C>T variant is predicted to result in the amino acid substitution p.Arg158Cys. This variant was reported in the compound heterozygous state along with a premature termination variant in a patient with lymphatic dysplasia (Alders et al 2009. PubMed ID: 19935664). This variant was also reported in the homozygous state in a patient with intestinal lymphangiectasia, edema of the lower extremities and facial dysmorphisms (Fattorusso et al 2020. PubMed ID: 32629717). This variant is reported in 0.036% of alleles in individuals of European (Finnish) descent in gnomAD. Although we suspect that this variant may be pathogenic, at this time, the clinical significance of this variant is uncertain due to the absence of conclusive functional and genetic evidence.

Juno Genomics, Hangzhou Juno Genomics, Inc
Classification: Likely pathogenic for Hennekam lymphangiectasia-lymphedema syndrome 1. Review status: criteria provided, single submitter. Criteria: ACMG Guidelines, 2015. Collection method: clinical testing. Allele origin: germline. Affected: yes.
Comment: Absent from controls (or at extremely low frequency if recessive) in Genome Aggregation Database, Exome Sequencing Project, 1000 Genomes Project, or Exome Aggregation Consortium.;Multiple lines of computational evidence support a deleterious effect on the gene or gene product (conservation, evolutionary, splicing impact, etc).;For recessive disorders, detected in trans with a pathogenic variant.;Patient's phenotype or family history is highly specific for a disease with a single genetic etiology.

OMIM
Classification: Pathogenic for HENNEKAM LYMPHANGIECTASIA-LYMPHEDEMA SYNDROME 1. Last evaluated: 2009-12-01. Review status: no assertion criteria provided. Collection method: literature only. Allele origin: germline. Not counted in ClinVar's aggregate classification.

Clinical Genetics, Academic Medical Center
Classification: Likely pathogenic. Review status: no assertion criteria provided. Collection method: clinical testing. Allele origin: germline. Affected: yes. Study: VKGL Data-share Consensus. Not counted in ClinVar's aggregate classification.

Diagnostic Laboratory, Department of Genetics, University Medical Center Groningen
Classification: Likely pathogenic. Review status: no assertion criteria provided. Collection method: clinical testing. Allele origin: germline. Affected: yes. Study: VKGL Data-share Consensus. Not counted in ClinVar's aggregate classification.

Genome Diagnostics Laboratory, Amsterdam University Medical Center
Classification: Pathogenic. Review status: no assertion criteria provided. Collection method: clinical testing. Allele origin: germline. Affected: yes. Study: VKGL Data-share Consensus. Not counted in ClinVar's aggregate classification.

UniProtKB/Swiss-Prot
No classification provided. Condition: Hennekam lymphangiectasia-lymphedema syndrome. Review status: no classification provided. Collection method: not provided. Allele origin: germline. Not counted in ClinVar's aggregate classification.

Literature cited by the submitters: PubMed 19935664 (cited by 5 submitters); PubMed 32472549 (cited by 4 submitters); PubMed 32629717 (cited by 4 submitters); PubMed 25814692 (cited by 4 submitters); PubMed 39052144 (cited by Labcorp Genetics (formerly Invitae), Labcorp).